The following is an entry in ClinVar:

ClinVar aggregate classification (germline): Benign/Likely benign. Review status: criteria provided, multiple submitters, no conflicts (2 of 4 stars). 5 submissions from 5 submitters: Benign (1); Likely benign (4). Last evaluated 2026-04-17.

Conditions:
Atrial fibrillation, familial, 12 (ATFB12). Identifiers: MedGen C3279695, MONDO:0013545, OMIM 614050.
Intellectual disability and myopathy syndrome (IDMYS). Identifiers: MedGen C5676904, MONDO:0859224, OMIM 619719.
Dilated cardiomyopathy 1O (CMD1O). Also called: CARDIOMYOPATHY, DILATED, WITH VENTRICULAR TACHYCARDIA. Identifiers: Orphanet 154, MedGen C1837839, MONDO:0012062, OMIM 608569.
Hypertrichotic osteochondrodysplasia Cantu type. Also called: Cantu Syndrome; Cantú Syndrome. Identifiers: Orphanet 1517, MedGen C0795905, MONDO:0009406, OMIM 239850.

Allele frequency attached by ClinVar (database versions not stated): 1000 Genomes Project 0.00060; 1000 Genomes Project 30x 0.00094; gnomAD exomes 0.00002 and 0.00004; ExAC 0.00006; gnomAD 0.00012 and 0.00015; TOPMed 0.00015; ESP Exome Variant Server 0.00023.
gnomAD v4.1: 56 of 1,543,560 alleles (0.0036%); highest among the groups gnomAD compares: African/African-American, 0.064%; no homozygotes.

Submissions (5):

Women's Health and Genetics/Laboratory Corporation of America, LabCorp
Classification: Benign. Last evaluated: 2026-04-17. Review status: criteria provided, single submitter. Criteria: LabCorp Variant Classification Summary - May 2015. Collection method: clinical testing. Allele origin: germline.

Labcorp Genetics (formerly Invitae), Labcorp
Classification: Likely benign for Dilated cardiomyopathy 1O. Last evaluated: 2026-01-05. Review status: criteria provided, single submitter. Criteria: Invitae Variant Classification Sherloc (09022015). Collection method: clinical testing. Allele origin: germline.

Blueprint Genetics
Classification: Likely benign. Last evaluated: 2024-03-07. Review status: criteria provided, single submitter. Criteria: ACMG Guidelines, 2015. Collection method: clinical testing. Allele origin: germline.

Fulgent Genetics
Classification: Likely benign for Hypertrichotic osteochondrodysplasia Cantu type; Dilated cardiomyopathy 1O; Atrial fibrillation, familial, 12; Intellectual disability and myopathy syndrome. Last evaluated: 2021-07-23. Review status: criteria provided, single submitter. Criteria: ACMG Guidelines, 2015. Collection method: clinical testing. Allele origin: unknown.

Laboratory for Molecular Medicine, Mass General Brigham Personalized Medicine
Classification: Likely benign. Last evaluated: 2013-01-13. Review status: criteria provided, single submitter. Criteria: LMM Criteria. Collection method: clinical testing. Allele origin: germline. Observed: 2 variant alleles.
Comment: 2339+13A>G in intron 18 of ABCC9: This variant is not expected to have clinical significance because it is not located within the splice consensus sequence. It has been identified in 0.1% (3/4404) of African American chromosomes from a broa d population by the NHLBI Exome Sequencing Project (/EVS). 2339+13A>G in intron 18 of ABCC9 (allele frequency = 0.1%, 3/4404) **

NM_020297.4(ABCC9):c.2339+13A>G

Gene: ABCC9 (ATP binding cassette subfamily C member 9; minus strand). Cytogenetic location: 12p12.1.
Variant type: single nucleotide variant.
Coding change: c.2339+13A>G on transcript NM_020297.4 (MANE Select); 13 bases into the intron after coding-DNA position 2339, A replaced by G.
Molecular consequence: intron variant.
Genome position (GRCh38, 1-based): chr12:21,862,940, T>C on the plus strand (A>G on the coding strand, the complement: ABCC9 is on the minus strand). VCF-style: chr12-21862940-T-C. GRCh37 (hg19) VCF-style: chr12-22015874-T-C.
Other names: c.1472+13A>G (NM_001377274.1); c.2339+13A>G (NM_005691.4, NM_001377273.1).
Identifiers: ClinVar variation 45404 (VCV000045404.15), dbSNP rs189255166, ClinGen allele CA136266.